The following is an entry in ClinVar:

ClinVar aggregate classification (germline): Pathogenic. Review status: criteria provided, multiple submitters, no conflicts (2 of 4 stars). 2 submissions from 2 submitters: Pathogenic (2). Last evaluated 2023-02-17.

Conditions:
Cardiovascular phenotype. Identifiers: MedGen CN230736.
Arrhythmogenic right ventricular dysplasia 9 (ARVD9). Also called: ARRHYTHMOGENIC RIGHT VENTRICULAR DYSPLASIA, FAMILIAL, 9; Arrhythmogenic Right Ventricular Dysplasia/Cardiomyopathy 9. Identifiers: MedGen C1836906, MONDO:0012180, OMIM 609040.

Submissions (2):

Ambry Genetics
Classification: Pathogenic for Cardiovascular phenotype. Last evaluated: 2023-02-17. Review status: criteria provided, single submitter. Criteria: Ambry Variant Classification Scheme 2023. Collection method: clinical testing. Allele origin: germline.
Comment: The p.E85* pathogenic mutation (also known as c.253G>T), located in coding exon 2 of the PKP2 gene, results from a G to T substitution at nucleotide position 253. This changes the amino acid from a glutamic acid to a stop codon within coding exon 2. This variant is considered to be rare based on population cohorts in the Genome Aggregation Database (gnomAD). This alteration is expected to result in loss of function by premature protein truncation or nonsense-mediated mRNA decay. As such, this alteration is interpreted as a disease-causing mutation.

Labcorp Genetics (formerly Invitae), Labcorp
Classification: Pathogenic for Arrhythmogenic right ventricular dysplasia 9. Last evaluated: 2021-09-24. Review status: criteria provided, single submitter. Criteria: Invitae Variant Classification Sherloc (09022015). Collection method: clinical testing. Allele origin: germline.
Comment: For these reasons, this variant has been classified as Pathogenic. This variant has not been reported in the literature in individuals affected with PKP2-related conditions. This variant is not present in population databases (ExAC no frequency). This sequence change creates a premature translational stop signal (p.Glu85*) in the PKP2 gene. It is expected to result in an absent or disrupted protein product. Loss-of-function variants in PKP2 are known to be pathogenic (PMID: 15489853, 23911551).

Literature cited by the submitters: PubMed 15489853 (cited by Labcorp Genetics (formerly Invitae), Labcorp); PubMed 23911551 (cited by Labcorp Genetics (formerly Invitae), Labcorp).

NM_001005242.3(PKP2):c.253G>T (p.Glu85Ter)

Gene: PKP2 (plakophilin 2; minus strand). Cytogenetic location: 12p11.21.
Variant type: single nucleotide variant.
Coding change: c.253G>T on transcript NM_001005242.3 (MANE Select); coding-DNA position 253, G replaced by T.
Protein change: p.Glu85Ter; replaces glutamic acid 85 with a stop codon.
Molecular consequence: nonsense.
Genome position (GRCh38, 1-based): chr12:32,879,003, C>A on the plus strand (G>T on the coding strand, the complement: PKP2 is on the minus strand). VCF-style: chr12-32879003-C-A. GRCh37 (hg19) VCF-style: chr12-33031937-C-A.
Other names: c.253G>T, p.Glu85Ter (NM_004572.4); c.253G>T (NM_004572.3); short protein forms E85*.
Identifiers: ClinVar variation 1400125 (VCV001400125.7), dbSNP rs2137953226, ClinGen allele CA384366631.
Genomic context (GRCh38, chr12:32,879,003, plus strand): 5'-GAACAGGGGAACGGCCTCCAACAAAATCATTTTCAACCAAGTGTAGGTTGTAGACATACT[C>A]AGGAACACTGCTGGTTCGGTGAAGATTTCCTGCAATCAAGCAAATATTAAAATAACTCAG-3'